The following is an entry in ClinVar:

NM_000179.3(MSH6):c.1010T>C (p.Leu337Ser)

Gene: MSH6 (mutS homolog 6; plus strand). Cytogenetic location: 2p16.3.
Variant type: single nucleotide variant.
Coding change: c.1010T>C on transcript NM_000179.3 (MANE Select); coding-DNA position 1010, T replaced by C.
Protein change: p.Leu337Ser; replaces leucine 337 with serine.
Molecular consequence: missense variant.
Genome position (GRCh38, 1-based): chr2:47,798,993, T>C. VCF-style: chr2-47798993-T-C. GRCh37 (hg19) VCF-style: chr2-48026132-T-C.
Other names: c.620T>C, p.Leu207Ser (NM_001281492.2); c.104T>C, p.Leu35Ser (NM_001281493.2, NM_001281494.2); short protein forms L207S, L337S, L35S.
Identifiers: ClinVar variation 1011661 (VCV001011661.13), dbSNP rs1572721244, ClinGen allele CA346741252.

ClinVar aggregate classification (germline): Uncertain significance. Review status: criteria provided, multiple submitters, no conflicts (2 of 4 stars). 2 submissions from 2 submitters: Uncertain significance (2). Last evaluated 2025-07-25.

Conditions:
Hereditary cancer-predisposing syndrome. Also called: Hereditary Cancer Syndrome; Tumor predisposition; Neoplastic Syndromes, Hereditary; Hereditary neoplastic syndrome. Identifiers: Orphanet 140162, MedGen C0027672, MeSH D009386, MONDO:0015356.
Hereditary nonpolyposis colorectal neoplasms. Identifiers: MedGen C0009405, MeSH D003123.

Allele frequency attached by ClinVar (database versions not stated): gnomAD exomes below 0.00001; TOPMed below 0.00001.
gnomAD v4.1: 2 of 1,614,234 alleles (0.00012%); highest among the groups gnomAD compares: South Asian, 0.0011%; no homozygotes.

Submissions (2):

Ambry Genetics
Classification: Uncertain significance for Hereditary cancer-predisposing syndrome. Last evaluated: 2025-07-25. Review status: criteria provided, single submitter. Criteria: Ambry Variant Classification Scheme 2023. Collection method: clinical testing. Allele origin: germline.
Comment: The p.L337S variant (also known as c.1010T>C), located in coding exon 4 of the MSH6 gene, results from a T to C substitution at nucleotide position 1010. The leucine at codon 337 is replaced by serine, an amino acid with dissimilar properties. This amino acid position is highly conserved in available vertebrate species. In addition, the in silico prediction for this alteration is inconclusive. Since supporting evidence is limited at this time, the clinical significance of this alteration remains unclear.

Labcorp Genetics (formerly Invitae), Labcorp
Classification: Uncertain significance for Hereditary nonpolyposis colorectal neoplasms. Last evaluated: 2022-01-17. Review status: criteria provided, single submitter. Criteria: Invitae Variant Classification Sherloc (09022015). Collection method: clinical testing. Allele origin: germline.
Comment: ClinVar contains an entry for this variant (Variation ID: 1011661). Advanced modeling of protein sequence and biophysical properties (such as structural, functional, and spatial information, amino acid conservation, physicochemical variation, residue mobility, and thermodynamic stability) performed at Invitae indicates that this missense variant is not expected to disrupt MSH6 protein function. In summary, the available evidence is currently insufficient to determine the role of this variant in disease. Therefore, it has been classified as a Variant of Uncertain Significance. This variant has not been reported in the literature in individuals affected with MSH6-related conditions. This sequence change replaces leucine, which is neutral and non-polar, with serine, which is neutral and polar, at codon 337 of the MSH6 protein (p.Leu337Ser). This variant is not present in population databases (gnomAD no frequency).